The following is an entry in ClinVar:

ClinVar aggregate classification (germline): Uncertain significance (1 of 4 stars; one submission).

Submission:

Labcorp Genetics (formerly Invitae), Labcorp
Classification: Uncertain significance. Last evaluated: 2025-06-03. Review status: criteria provided, single submitter. Criteria: Invitae Variant Classification Sherloc (09022015). Collection method: clinical testing. Allele origin: germline.
Comment: This sequence change replaces lysine, which is basic and polar, with glutamic acid, which is acidic and polar, at codon 668 of the SETBP1 protein (p.Lys668Glu). This variant is not present in population databases (gnomAD no frequency). This variant has not been reported in the literature in individuals affected with SETBP1-related conditions. Invitae Evidence Modeling of protein sequence and biophysical properties (such as structural, functional, and spatial information, amino acid conservation, physicochemical variation, residue mobility, and thermodynamic stability) indicates that this missense variant is expected to disrupt SETBP1 protein function with a positive predictive value of 80%. In summary, the available evidence is currently insufficient to determine the role of this variant in disease. Therefore, it has been classified as a Variant of Uncertain Significance.

NM_015559.3(SETBP1):c.2002A>G (p.Lys668Glu)

Gene: SETBP1 (SET binding protein 1; plus strand). Cytogenetic location: 18q12.3.
Variant type: single nucleotide variant.
Coding change: c.2002A>G on transcript NM_015559.3 (MANE Select); coding-DNA position 2002, A replaced by G.
Protein change: p.Lys668Glu; replaces lysine 668 with glutamic acid.
Molecular consequence: missense variant.
Genome position (GRCh38, 1-based): chr18:44,951,342, A>G. VCF-style: chr18-44951342-A-G. GRCh37 (hg19) VCF-style: chr18-42531307-A-G.
Other names: c.2002A>G, p.Lys668Glu (NM_001379141.1, NM_001379142.1, NM_001410862.1); short protein forms K668E.
Identifiers: ClinVar variation 4744154 (VCV004744154.1).